The following is an entry in ClinVar:

NM_001283009.2(RTEL1):c.883C>A (p.Pro295Thr)

Genes: RTEL1 (regulator of telomere elongation helicase 1; plus strand), RTEL1-TNFRSF6B (RTEL1-TNFRSF6B readthrough (NMD candidate); plus strand). Cytogenetic location: 20q13.33.
Variant type: single nucleotide variant.
Coding change: c.883C>A on transcript NM_001283009.2 (MANE Select); coding-DNA position 883, C replaced by A.
Protein change: p.Pro295Thr; replaces proline 295 with threonine.
Molecular consequence: missense variant. On other transcripts: non-coding transcript variant (1).
Genome position (GRCh38, 1-based): chr20:63,674,057, C>A. VCF-style: chr20-63674057-C-A. GRCh37 (hg19) VCF-style: chr20-62305410-C-A.
Other names: c.214C>A, p.Pro72Thr (NM_001283010.1); c.883C>A, p.Pro295Thr (NM_016434.4); c.955C>A, p.Pro319Thr (NM_032957.5); c.955C>A (NM_032957.4); short protein forms P72T, P319T, P295T.
Identifiers: ClinVar variation 952602 (VCV000952602.7), dbSNP rs755010352, ClinGen allele CA9964472.

ClinVar aggregate classification (germline): Uncertain significance. Review status: criteria provided, multiple submitters, no conflicts (2 of 4 stars). 2 submissions from 2 submitters: Uncertain significance (2). Last evaluated 2022-11-21.

Conditions:
Pulmonary fibrosis and/or bone marrow failure, Telomere-related, 3. Also called: PULMONARY FIBROSIS AND/OR BONE MARROW FAILURE SYNDROME, TELOMERE-RELATED, 3. Identifiers: Orphanet 2032, MedGen C4225346, MONDO:0014613, OMIM 616373.
Dyskeratosis congenita, autosomal recessive 5 (DKCB5). Identifiers: MedGen C3554656, MONDO:0014076, OMIM 615190.
Inborn genetic diseases. Identifiers: MedGen C0950123, MeSH D030342.

Allele frequency attached by ClinVar (database versions not stated): gnomAD 0.00001; ExAC 0.00003.
gnomAD v4.1: 10 of 1,613,514 alleles (0.00062%); highest among the groups gnomAD compares: Non-Finnish European, 0.00068%; no homozygotes.

Submissions (2):

Ambry Genetics
Classification: Uncertain significance for Inborn genetic diseases. Last evaluated: 2022-11-21. Review status: criteria provided, single submitter. Criteria: Ambry Variant Classification Scheme 2023. Collection method: clinical testing. Allele origin: germline.

Labcorp Genetics (formerly Invitae), Labcorp
Classification: Uncertain significance for Dyskeratosis congenita, autosomal recessive 5; Pulmonary fibrosis and/or bone marrow failure, Telomere-related, 3. Last evaluated: 2021-08-24. Review status: criteria provided, single submitter. Criteria: Invitae Variant Classification Sherloc (09022015). Collection method: clinical testing. Allele origin: germline.
Comment: This sequence change replaces proline with threonine at codon 295 of the RTEL1 protein (p.Pro295Thr). The proline residue is weakly conserved and there is a small physicochemical difference between proline and threonine. This variant is present in population databases (rs755010352, ExAC 0.006%). This variant has not been reported in the literature in individuals affected with RTEL1-related conditions. Algorithms developed to predict the effect of missense changes on protein structure and function (SIFT, PolyPhen-2, Align-GVGD) all suggest that this variant is likely to be tolerated. In summary, the available evidence is currently insufficient to determine the role of this variant in disease. Therefore, it has been classified as a Variant of Uncertain Significance.